The following is an entry in ClinVar:

NM_002335.4(LRP5):c.501G>T (p.Trp167Cys)

Gene: LRP5 (LDL receptor related protein 5; plus strand). Cytogenetic location: 11q13.2.
Variant type: single nucleotide variant.
Coding change: c.501G>T on transcript NM_002335.4 (MANE Select); coding-DNA position 501, G replaced by T.
Protein change: p.Trp167Cys; replaces tryptophan 167 with cysteine.
Molecular consequence: missense variant. On other transcripts: 5 prime UTR variant (1).
Genome position (GRCh38, 1-based): chr11:68,357,662, G>T. VCF-style: chr11-68357662-G-T. GRCh37 (hg19) VCF-style: chr11-68125130-G-T.
Other names: c.-1265G>T (NM_001291902.2); short protein forms W167C.
Identifiers: ClinVar variation 1416289 (VCV001416289.8), dbSNP rs2153136043, ClinGen allele CA381611657.

ClinVar aggregate classification (germline): Uncertain significance (1 of 4 stars; one submission).

Submission:

Labcorp Genetics (formerly Invitae), Labcorp
Classification: Uncertain significance. Last evaluated: 2021-03-24. Review status: criteria provided, single submitter. Criteria: Invitae Variant Classification Sherloc (09022015). Collection method: clinical testing. Allele origin: germline.
Comment: This variant is not present in population databases (ExAC no frequency). This sequence change replaces tryptophan with cysteine at codon 167 of the LRP5 protein (p.Trp167Cys). The tryptophan residue is highly conserved and there is a large physicochemical difference between tryptophan and cysteine. This variant has not been reported in the literature in individuals with LRP5-related conditions. In summary, the available evidence is currently insufficient to determine the role of this variant in disease. Therefore, it has been classified as a Variant of Uncertain Significance. Advanced modeling of protein sequence and biophysical properties (such as structural, functional, and spatial information, amino acid conservation, physicochemical variation, residue mobility, and thermodynamic stability) performed at Invitae indicates that this missense variant is expected to disrupt LRP5 protein function.